The following is an entry in ClinVar:

ClinVar aggregate classification (germline): Likely benign. Review status: criteria provided, single submitter (1 of 4 stars). 2 submissions from 2 submitters: Likely benign (1). 1 of the submissions does not count toward it. Last evaluated 2025-10-27.

Conditions:
ALK-related disorder. Also called: ALK-related condition.
Neuroblastoma, susceptibility to, 3. Also called: ALK-Related Neuroblastic Tumor Susceptibility. Identifiers: Orphanet 635, MedGen C2751681, MONDO:0013083, OMIM 613014.

Allele frequency attached by ClinVar (database versions not stated): gnomAD 0.00001 and 0.00002; gnomAD exomes 0.00001 and 0.00002; TOPMed 0.00002; ExAC 0.00003; 1000 Genomes Project 30x 0.00016; 1000 Genomes Project 0.00020.
gnomAD v4.1: 13 of 1,613,814 alleles (0.00081%); highest among the groups gnomAD compares: Non-Finnish European, 0.0011%; no homozygotes.

Submissions (2):

Labcorp Genetics (formerly Invitae), Labcorp
Classification: Likely benign for Neuroblastoma, susceptibility to, 3. Last evaluated: 2025-10-27. Review status: criteria provided, single submitter. Criteria: Invitae Variant Classification Sherloc (09022015). Collection method: clinical testing. Allele origin: germline.

PreventionGenetics, part of Exact Sciences
Classification: Likely benign for ALK-related condition. Last evaluated: 2022-07-21. Review status: no assertion criteria provided. Collection method: clinical testing. Allele origin: germline. Not counted in ClinVar's aggregate classification.
Comment: This variant is classified as likely benign based on ACMG/AMP sequence variant interpretation guidelines (Richards et al. 2015 PMID: 25741868, with internal and published modifications).

NM_004304.5(ALK):c.2633-6C>T

Gene: ALK (ALK receptor tyrosine kinase; minus strand). Cytogenetic location: 2p23.2.
Variant type: single nucleotide variant.
Coding change: c.2633-6C>T on transcript NM_004304.5 (MANE Select); 6 bases into the intron before coding-DNA position 2633, C replaced by T.
Molecular consequence: intron variant.
Genome position (GRCh38, 1-based): chr2:29,229,072, G>A on the plus strand (C>T on the coding strand, the complement: ALK is on the minus strand). VCF-style: chr2-29229072-G-A. GRCh37 (hg19) VCF-style: chr2-29451938-G-A.
Identifiers: ClinVar variation 239810 (VCV000239810.14), dbSNP rs577768628, ClinGen allele CA1594228.